The following is an entry in ClinVar:

ClinVar aggregate classification (germline): Uncertain significance. Review status: criteria provided, multiple submitters, no conflicts (2 of 4 stars). 3 submissions from 3 submitters: Uncertain significance (3). Last evaluated 2025-08-02.

Conditions:
Hereditary cancer-predisposing syndrome. Also called: Hereditary Cancer Syndrome; Hereditary neoplastic syndrome; Neoplastic Syndromes, Hereditary; Tumor predisposition. Identifiers: Orphanet 140162, MedGen C0027672, MeSH D009386, MONDO:0015356.
Oligodontia-cancer predisposition syndrome. Also called: TOOTH AGENESIS-COLORECTAL CANCER SYNDROME. Identifiers: Orphanet 300576, MedGen C1837750, MONDO:0012075, OMIM 608615. Disease mechanism: loss of function.

Allele frequency attached by ClinVar (database versions not stated): ExAC 0.00002.
gnomAD v4.1: 4 of 1,613,356 alleles (0.00025%); highest among the groups gnomAD compares: South Asian, 0.0044%; no homozygotes.

Submissions (3):

Labcorp Genetics (formerly Invitae), Labcorp
Classification: Uncertain significance for Oligodontia-cancer predisposition syndrome. Last evaluated: 2025-08-02. Review status: criteria provided, single submitter. Criteria: Invitae Variant Classification Sherloc (09022015). Collection method: clinical testing. Allele origin: germline.
Comment: This sequence change replaces lysine, which is basic and polar, with asparagine, which is neutral and polar, at codon 631 of the AXIN2 protein (p.Lys631Asn). This variant is present in population databases (rs761440645, gnomAD 0.006%). This variant has not been reported in the literature in individuals affected with AXIN2-related conditions. ClinVar contains an entry for this variant (Variation ID: 1450553). Invitae Evidence Modeling of protein sequence and biophysical properties (such as structural, functional, and spatial information, amino acid conservation, physicochemical variation, residue mobility, and thermodynamic stability) indicates that this missense variant is not expected to disrupt AXIN2 protein function with a negative predictive value of 80%. In summary, the available evidence is currently insufficient to determine the role of this variant in disease. Therefore, it has been classified as a Variant of Uncertain Significance.

Quest Diagnostics Nichols Institute San Juan Capistrano
Classification: Uncertain significance. Last evaluated: 2024-03-25. Review status: criteria provided, single submitter. Criteria: Quest Diagnostics criteria. Collection method: clinical testing. Allele origin: unknown.
Comment: The AXIN2 c.1893G>C (p.Lys631Asn) variant has not been reported in individuals with AXIN2-related conditions in the published literature. The frequency of this variant in the general population, 0.000008 (2/250858 chromosomes (Genome Aggregation Database)), is uninformative in the assessment of its pathogenicity. Analysis of this variant using bioinformatics tools for the prediction of the effect of amino acid changes on protein structure and function yielded conflicting predictions that this variant is benign or damaging. Based on the available information, we are unable to determine the clinical significance of this variant.

Ambry Genetics
Classification: Uncertain significance for Hereditary cancer-predisposing syndrome. Last evaluated: 2024-02-14. Review status: criteria provided, single submitter. Criteria: Ambry Variant Classification Scheme 2023. Collection method: clinical testing. Allele origin: germline.
Comment: The p.K631N variant (also known as c.1893G>C), located in coding exon 6 of the AXIN2 gene, results from a G to C substitution at nucleotide position 1893. The lysine at codon 631 is replaced by asparagine, an amino acid with similar properties. This amino acid position is well conserved in available vertebrate species. In addition, this alteration is predicted to be tolerated by in silico analysis. Based on the available evidence, the clinical significance of this alteration remains unclear.

NM_004655.4(AXIN2):c.1893G>C (p.Lys631Asn)

Gene: AXIN2 (axin 2; minus strand). Cytogenetic location: 17q24.1.
Variant type: single nucleotide variant.
Coding change: c.1893G>C on transcript NM_004655.4 (MANE Select); coding-DNA position 1893, G replaced by C.
Protein change: p.Lys631Asn; replaces lysine 631 with asparagine.
Molecular consequence: missense variant. On other transcripts: intron variant (1).
Genome position (GRCh38, 1-based): chr17:65,536,883, C>G on the plus strand (G>C on the coding strand, the complement: AXIN2 is on the minus strand). VCF-style: chr17-65536883-C-G. GRCh37 (hg19) VCF-style: chr17-63533001-C-G.
Other names: c.1713-330G>C (NM_001363813.1); short protein forms K631N.
Identifiers: ClinVar variation 1450553 (VCV001450553.9), dbSNP rs761440645, ClinGen allele CA8718501.